The following is an entry in ClinVar:

ClinVar aggregate classification (germline): Uncertain significance. Review status: criteria provided, multiple submitters, no conflicts (2 of 4 stars). 3 submissions from 3 submitters: Uncertain significance (3). Last evaluated 2025-07-07.

Conditions:
BAP1-related tumor predisposition syndrome (TPDS1). Also called: Tumor susceptibility linked to germline BAP1 mutations; BAP1 tumor predisposition syndrome; COMMON Syndrome; TUMOR PREDISPOSITION SYNDROME 1. Identifiers: Orphanet 289539, MedGen C3280492, MONDO:0013692, OMIM 614327.
Hereditary cancer-predisposing syndrome. Also called: Hereditary Cancer Syndrome; Neoplastic Syndromes, Hereditary; Tumor predisposition; Hereditary neoplastic syndrome. Identifiers: Orphanet 140162, MedGen C0027672, MeSH D009386, MONDO:0015356.

Allele frequency attached by ClinVar (database versions not stated): gnomAD 0.00001.
gnomAD v4.1: 2 of 1,614,088 alleles (0.00012%); highest among the groups gnomAD compares: Non-Finnish European, 0.00017%; no homozygotes.

Submissions (3):

Labcorp Genetics (formerly Invitae), Labcorp
Classification: Uncertain significance for BAP1-related tumor predisposition syndrome. Last evaluated: 2025-07-07. Review status: criteria provided, single submitter. Criteria: Invitae Variant Classification Sherloc (09022015). Collection method: clinical testing. Allele origin: germline.
Comment: This sequence change replaces serine, which is neutral and polar, with leucine, which is neutral and non-polar, at codon 513 of the BAP1 protein (p.Ser513Leu). This variant is not present in population databases (gnomAD no frequency). This variant has not been reported in the literature in individuals affected with BAP1-related conditions. ClinVar contains an entry for this variant (Variation ID: 489621). Invitae Evidence Modeling of protein sequence and biophysical properties (such as structural, functional, and spatial information, amino acid conservation, physicochemical variation, residue mobility, and thermodynamic stability) has been performed for this missense variant. However, the output from this modeling did not meet the statistical confidence thresholds required to predict the impact of this variant on BAP1 protein function. In summary, the available evidence is currently insufficient to determine the role of this variant in disease. Therefore, it has been classified as a Variant of Uncertain Significance.

Ambry Genetics
Classification: Uncertain significance for Hereditary cancer-predisposing syndrome. Last evaluated: 2024-03-06. Review status: criteria provided, single submitter. Criteria: Ambry Variant Classification Scheme 2023. Collection method: clinical testing. Allele origin: germline.
Comment: The p.S513L variant (also known as c.1538C>T), located in coding exon 13 of the BAP1 gene, results from a C to T substitution at nucleotide position 1538. The serine at codon 513 is replaced by leucine, an amino acid with dissimilar properties. This amino acid position is conserved. In addition, this alteration is predicted to be deleterious by in silico analysis. Based on the available evidence, the clinical significance of this alteration remains unclear.

Color Diagnostics, LLC DBA Color Health
Classification: Uncertain significance for Hereditary cancer-predisposing syndrome. Last evaluated: 2019-06-26. Review status: criteria provided, single submitter. Criteria: ACMG Guidelines, 2015. Collection method: clinical testing. Allele origin: germline.

NM_004656.4(BAP1):c.1538C>T (p.Ser513Leu)

Gene: BAP1 (BRCA1 associated deubiquitinase 1; minus strand). Cytogenetic location: 3p21.1.
Variant type: single nucleotide variant.
Coding change: c.1538C>T on transcript NM_004656.4 (MANE Select); coding-DNA position 1538, C replaced by T.
Protein change: p.Ser513Leu; replaces serine 513 with leucine.
Molecular consequence: missense variant.
Genome position (GRCh38, 1-based): chr3:52,403,607, G>A on the plus strand (C>T on the coding strand, the complement: BAP1 is on the minus strand). VCF-style: chr3-52403607-G-A. GRCh37 (hg19) VCF-style: chr3-52437623-G-A.
Other names: c.1538C>T (LRG_529t1); short protein forms S513L.
Identifiers: ClinVar variation 489621 (VCV000489621.13), dbSNP rs1553644895, ClinGen allele CA353100772.